The following is an entry in ClinVar:

NM_000489.6(ATRX):c.3491A>G (p.Asp1164Gly)

Gene: ATRX (ATRX chromatin remodeler; minus strand). Cytogenetic location: Xq21.1.
Variant type: single nucleotide variant.
Coding change: c.3491A>G on transcript NM_000489.6 (MANE Select); coding-DNA position 3491, A replaced by G.
Protein change: p.Asp1164Gly; replaces aspartic acid 1164 with glycine.
Molecular consequence: missense variant.
Genome position (GRCh38, 1-based): chrX:77,681,765, T>C on the plus strand (A>G on the coding strand, the complement: ATRX is on the minus strand). VCF-style: chrX-77681765-T-C. GRCh37 (hg19) VCF-style: chrX-76937257-T-C.
Other names: c.3377A>G, p.Asp1126Gly (NM_138270.5); short protein forms D1126G, D1164G.
Identifiers: ClinVar variation 3369369 (VCV003369369.1).
Genomic context (GRCh38, chrX:77,681,765, plus strand): 5'-TTCTCCTTGACAATGACTGCCTTCTTTTTAGATGAAGTTCTTTGCTTCTTCTTTTTATTA[T>C]CTTCAGAACTTTCCTCAGCATCAGATGATGATGAGCCACTTTGTATTTCCTTAGTATTTC-3'
Protein context (NP_000480.3, residues 1154-1174): SSSDAEESSE[Asp1164Gly]NKKKKQRTSS

ClinVar aggregate classification (germline): Uncertain significance (1 of 4 stars; one submission).

gnomAD v4.1: 1 of 1,198,450 alleles (0.000083%); highest among the groups gnomAD compares: Non-Finnish European, 0.00011%; no homozygotes.

Submission:

GeneDx
Classification: Uncertain significance. Last evaluated: 2024-02-21. Review status: criteria provided, single submitter. Criteria: GeneDx Variant Classification Process June 2021. Collection method: clinical testing. Allele origin: germline. Affected: yes.
Comment: Not observed at significant frequency in large population cohorts (gnomAD); In silico analysis supports that this missense variant does not alter protein structure/function; Has not been previously published as pathogenic or benign to our knowledge